The following is an entry in ClinVar:

NM_002734.5(PRKAR1A):c.974-10C>T

Gene: PRKAR1A (protein kinase cAMP-dependent type I regulatory subunit alpha; plus strand). Cytogenetic location: 17q24.2.
Variant type: single nucleotide variant.
Coding change: c.974-10C>T on transcript NM_002734.5 (MANE Select); 10 bases into the intron before coding-DNA position 974, C replaced by T.
Molecular consequence: intron variant.
Genome position (GRCh38, 1-based): chr17:68,530,267, C>T. VCF-style: chr17-68530267-C-T. GRCh37 (hg19) VCF-style: chr17-66526408-C-T.
Other names: c.974-10C>T (NM_001278433.2, NM_001369389.1, NM_212471.3 and 3 more transcripts); c.973+266C>T (NM_001276290.1).
Identifiers: ClinVar variation 239388 (VCV000239388.12), dbSNP rs774715675, ClinGen allele CA8729452.

ClinVar aggregate classification (germline): Likely benign. Review status: criteria provided, multiple submitters, no conflicts (2 of 4 stars). 3 submissions from 3 submitters: Likely benign (3). Last evaluated 2026-01-19.

Conditions:
Carney complex, type 1 (CNC1). Also called: CARNEY COMPLEX, TYPE I; CARNEY MYXOMA-ENDOCRINE COMPLEX. Identifiers: Orphanet 1359, MedGen C2607929, MONDO:0008057, OMIM 160980.

Allele frequency attached by ClinVar (database versions not stated): ExAC 0.00003; gnomAD exomes 0.00003 and 0.00011; gnomAD 0.00007; TOPMed 0.00009.
gnomAD v4.1: 172 of 1,614,034 alleles (0.011%); highest among the groups gnomAD compares: Non-Finnish European, 0.014%; no homozygotes.

Submissions (3):

Labcorp Genetics (formerly Invitae), Labcorp
Classification: Likely benign for Carney complex, type 1. Last evaluated: 2026-01-19. Review status: criteria provided, single submitter. Criteria: Invitae Variant Classification Sherloc (09022015). Collection method: clinical testing. Allele origin: germline.

Blueprint Genetics
Classification: Likely benign. Last evaluated: 2023-09-18. Review status: criteria provided, single submitter. Criteria: ACMG Guidelines, 2015. Collection method: clinical testing. Allele origin: germline.

Women's Health and Genetics/Laboratory Corporation of America, LabCorp
Classification: Likely benign. Last evaluated: 2017-05-15. Review status: criteria provided, single submitter. Criteria: LabCorp Variant Classification Summary - May 2015. Collection method: clinical testing. Allele origin: germline.
Comment: Variant summary: The PRKAR1A c.974-10C>T variant involves the alteration of a non-conserved intronic nucleotide. One in silico tool predicts a benign outcome for this variant. 5/5 splice prediction tools predict no significant impact on normal splicing and ESE finder predicts the variant has no effect on ESE sites at the locus. However, these predictions have yet to be confirmed by functional studies. This variant was found in 4 of 121398 control chromosomes from all ethnicities, but was observed exclusively in the European (Non-Finnish) subpopulation at a frequency of 0.00006 (4/66734). This frequency is about 32 times the estimated maximal expected allele frequency of a pathogenic PRKAR1A variant (0.0000019), suggesting this is likely a benign polymorphism found primarily in populations of European (Non-Finnish) origin. However, with so few carriers having been identified in the general population, this variant cannot indisputably be classified as benign. One clinical diagnostic laboratory has classified this variant as likely benign. To our knowledge, the variant of interest has not been reported in affected individuals via publications, nor has it been evaluated for functional impact by in vivo/vitro studies. Taken together, this variant is classified as likely benign until additional information becomes available.